The following is an entry in ClinVar:

NM_000784.4(CYP27A1):c.220G>T (p.Val74Phe)

Gene: CYP27A1 (cytochrome P450 family 27 subfamily A member 1; plus strand). Cytogenetic location: 2q35.
Variant type: single nucleotide variant.
Coding change: c.220G>T on transcript NM_000784.4 (MANE Select); coding-DNA position 220, G replaced by T.
Protein change: p.Val74Phe; replaces valine 74 with phenylalanine.
Molecular consequence: missense variant.
Genome position (GRCh38, 1-based): chr2:218,782,402, G>T. VCF-style: chr2-218782402-G-T. GRCh37 (hg19) VCF-style: chr2-219647125-G-T.
Other names: short protein forms V74F.
Identifiers: ClinVar variation 5035098 (VCV005035098.1).
Genomic context (GRCh38, chr2:218,782,402, plus strand): 5'-CAACGGAGCTTAGAGGAGATTCCACGTCTAGGACAGCTGCGCTTCTTCTTTCAGCTGTTC[G>T]TTCAAGGCTATGCCCTGCAACTGCACCAGTTACAGGTAACCCGCGGGGGCATCGCGTCCT-3'
Protein context (NP_000775.1, residues 64-84): GQLRFFFQLF[Val74Phe]QGYALQLHQL

ClinVar aggregate classification (germline): Uncertain significance (1 of 4 stars; one submission).

Conditions:
Cardiovascular phenotype. Identifiers: MedGen CN230736.

gnomAD v4.1: 2 of 1,614,202 alleles (0.00012%); highest among the groups gnomAD compares: South Asian, 0.0022%; no homozygotes.

Submission:

Ambry Genetics
Classification: Uncertain significance for Cardiovascular phenotype. Last evaluated: 2026-07-04. Review status: criteria provided, single submitter. Criteria: Ambry Variant Classification Scheme 2023. Collection method: clinical testing. Allele origin: germline.
Comment: The p.V74F variant (also known as c.220G>T), located in coding exon 1 of the CYP27A1 gene, results from a G to T substitution at nucleotide position 220. The valine at codon 74 is replaced by phenylalanine, an amino acid with highly similar properties. This amino acid position is conserved. In addition, this alteration is predicted to be tolerated by in silico analysis. Based on the available evidence, the clinical significance of this variant remains unclear.